The following is an entry in ClinVar:

ClinVar aggregate classification (germline): Uncertain significance. Review status: criteria provided, multiple submitters, no conflicts (2 of 4 stars). 3 submissions from 3 submitters: Uncertain significance (2). 1 of the submissions does not count toward it. Last evaluated 2025-05-14.

Conditions:
SETX-related disorder. Also called: SETX-related condition; SETX-related disorders. Identifiers: MedGen CN239403.
Inborn genetic diseases. Identifiers: MedGen C0950123, MeSH D030342.
Amyotrophic lateral sclerosis type 4 (ALS4). Also called: NEURONOPATHY, DISTAL HEREDITARY MOTOR, WITH PYRAMIDAL FEATURES; AMYOTROPHIC LATERAL SCLEROSIS 4, JUVENILE. Identifiers: Orphanet 357043, MedGen C1865409, MONDO:0011223, OMIM 602433.
Spinocerebellar ataxia, autosomal recessive, with axonal neuropathy 2 (SCAN2). Also called: Ataxia-ocular apraxia-2; ATAXIA-OCULOMOTOR APRAXIA 2; Ataxia with Oculomotor Apraxia; Ataxia with Oculomotor Apraxia Type 2. Identifiers: Orphanet 64753, MedGen C1853761, MONDO:0018996, OMIM 606002.

Allele frequency attached by ClinVar (database versions not stated): gnomAD exomes below 0.00001; TOPMed below 0.00001.
gnomAD v4.1: 5 of 1,613,868 alleles (0.00031%); highest among the groups gnomAD compares: Non-Finnish European, 0.00034%; no homozygotes.

Submissions (3):

Ambry Genetics
Classification: Uncertain significance for Inborn genetic diseases. Last evaluated: 2025-05-14. Review status: criteria provided, single submitter. Criteria: Ambry Variant Classification Scheme 2023. Collection method: clinical testing. Allele origin: germline.

Labcorp Genetics (formerly Invitae), Labcorp
Classification: Uncertain significance for Amyotrophic lateral sclerosis type 4; Spinocerebellar ataxia, autosomal recessive, with axonal neuropathy 2. Last evaluated: 2024-11-28. Review status: criteria provided, single submitter. Criteria: Invitae Variant Classification Sherloc (09022015). Collection method: clinical testing. Allele origin: germline.
Comment: This sequence change replaces lysine, which is basic and polar, with methionine, which is neutral and non-polar, at codon 768 of the SETX protein (p.Lys768Met). This variant is not present in population databases (gnomAD no frequency). This variant has not been reported in the literature in individuals affected with SETX-related conditions. ClinVar contains an entry for this variant (Variation ID: 468492). Invitae Evidence Modeling of protein sequence and biophysical properties (such as structural, functional, and spatial information, amino acid conservation, physicochemical variation, residue mobility, and thermodynamic stability) indicates that this missense variant is not expected to disrupt SETX protein function with a negative predictive value of 95%. In summary, the available evidence is currently insufficient to determine the role of this variant in disease. Therefore, it has been classified as a Variant of Uncertain Significance.

PreventionGenetics, part of Exact Sciences
Classification: Uncertain significance for SETX-related condition. Last evaluated: 2023-10-30. Review status: no assertion criteria provided. Collection method: clinical testing. Allele origin: germline. Not counted in ClinVar's aggregate classification.
Comment: The SETX c.2303A>T variant is predicted to result in the amino acid substitution p.Lys768Met. To our knowledge, this variant has not been reported in the literature or in a large population database, indicating this variant is rare. At this time, the clinical significance of this variant is uncertain due to the absence of conclusive functional and genetic evidence.

NM_015046.7(SETX):c.2303A>T (p.Lys768Met)

Gene: SETX (senataxin; minus strand). Cytogenetic location: 9q34.13.
Variant type: single nucleotide variant.
Coding change: c.2303A>T on transcript NM_015046.7 (MANE Select); coding-DNA position 2303, A replaced by T.
Protein change: p.Lys768Met; replaces lysine 768 with methionine.
Molecular consequence: missense variant.
Genome position (GRCh38, 1-based): chr9:132,329,295, T>A on the plus strand (A>T on the coding strand, the complement: SETX is on the minus strand). VCF-style: chr9-132329295-T-A. GRCh37 (hg19) VCF-style: chr9-135204682-T-A.
Other names: c.2303A>T, p.Lys768Met (NM_001351527.2, NM_001351528.2); short protein forms K768M.
Identifiers: ClinVar variation 468492 (VCV000468492.10), dbSNP rs1554821462, ClinGen allele CA375336357.